The following is an entry in ClinVar:

ClinVar aggregate classification (germline): Pathogenic (1 of 4 stars; one submission).

Allele frequency attached by ClinVar (database versions not stated): gnomAD exomes below 0.00001; gnomAD 0.00001.

Submission:

Labcorp Genetics (formerly Invitae), Labcorp
Classification: Pathogenic. Last evaluated: 2023-10-10. Review status: criteria provided, single submitter. Criteria: Invitae Variant Classification Sherloc (09022015). Collection method: clinical testing. Allele origin: germline.
Comment: This sequence change creates a premature translational stop signal (p.Leu743Aspfs*6) in the MCM3AP gene. It is expected to result in an absent or disrupted protein product. Loss-of-function variants in MCM3AP are known to be pathogenic (PMID: 28633435). This variant is not present in population databases (gnomAD no frequency). This variant has not been reported in the literature in individuals affected with MCM3AP-related conditions. For these reasons, this variant has been classified as Pathogenic.

Literature cited by the submitters: PubMed 28633435.

NM_003906.5(MCM3AP):c.2227_2228del (p.Leu743fs)

Gene: MCM3AP (minichromosome maintenance complex component 3 associated protein; minus strand). Cytogenetic location: 21q22.3.
Variant type: Deletion.
Coding change: c.2227_2228del on transcript NM_003906.5 (MANE Select); coding-DNA positions 2227 to 2228, 2 bases deleted (CT; older notation c.2227_2228delCT).
Protein change: p.Leu743fs; shifts the reading frame from leucine 743.
Molecular consequence: frameshift variant.
Genome position (GRCh38, 1-based): chr21:46,272,798-46,272,799, AG deleted on the plus strand (CT on the coding strand, the reverse complement: MCM3AP is on the minus strand). VCF-style (leftmost placement, unchanged base first): chr21-46272797-CAG-C. GRCh37 (hg19) VCF-style: chr21-47692711-CAG-C.
Other names: short protein forms L743fs.
Identifiers: ClinVar variation 2803116 (VCV002803116.3), dbSNP rs2081198536, ClinGen allele CA1022899719.